The following is an entry in ClinVar:

NM_003480.4(MFAP5):c.319C>T (p.Gln107Ter)

Gene: MFAP5 (microfibril associated protein 5; minus strand). Cytogenetic location: 12p13.31.
Variant type: single nucleotide variant.
Coding change: c.319C>T on transcript NM_003480.4 (MANE Select); coding-DNA position 319, C replaced by T.
Protein change: p.Gln107Ter; replaces glutamine 107 with a stop codon.
Molecular consequence: nonsense. On other transcripts: non-coding transcript variant (2), intron variant (1).
Genome position (GRCh38, 1-based): chr12:8,650,518, G>A on the plus strand (C>T on the coding strand, the complement: MFAP5 is on the minus strand). VCF-style: chr12-8650518-G-A. GRCh37 (hg19) VCF-style: chr12-8803114-G-A.
Other names: c.289C>T, p.Gln97Ter (NM_001297709.2); c.253C>T, p.Gln85Ter (NM_001297710.2); c.244C>T, p.Gln82Ter (NM_001297711.2); c.218-2315C>T (NM_001297712.2); short protein forms Q97*, Q107*, Q85*, Q82*.
Identifiers: ClinVar variation 2764594 (VCV002764594.3), dbSNP rs2540288412, ClinGen allele CA384039024.

ClinVar aggregate classification (germline): Uncertain significance (1 of 4 stars; one submission).

Submission:

Labcorp Genetics (formerly Invitae), Labcorp
Classification: Uncertain significance. Last evaluated: 2023-09-30. Review status: criteria provided, single submitter. Criteria: Invitae Variant Classification Sherloc (09022015). Collection method: clinical testing. Allele origin: germline.
Comment: This variant is not present in population databases (gnomAD no frequency). This variant has not been reported in the literature in individuals affected with MFAP5-related conditions. Algorithms developed to predict the effect of sequence changes on RNA splicing suggest that this variant may disrupt the consensus splice site. In summary, the available evidence is currently insufficient to determine the role of this variant in disease. Therefore, it has been classified as a Variant of Uncertain Significance. This sequence change creates a premature translational stop signal (p.Gln107*) in the MFAP5 gene. It is expected to result in an absent or disrupted protein product. However, the current clinical and genetic evidence is not sufficient to establish whether loss-of-function variants in MFAP5 cause disease.